The following is an entry in ClinVar:

NM_000520.6(HEXA):c.1412C>T (p.Pro471Leu)

Gene: HEXA (hexosaminidase subunit alpha; minus strand). Cytogenetic location: 15q23.
Variant type: single nucleotide variant.
Coding change: c.1412C>T on transcript NM_000520.6 (MANE Select); coding-DNA position 1412, C replaced by T.
Protein change: p.Pro471Leu; replaces proline 471 with leucine.
Molecular consequence: missense variant. On other transcripts: non-coding transcript variant (1).
Genome position (GRCh38, 1-based): chr15:72,346,244, G>A on the plus strand (C>T on the coding strand, the complement: HEXA is on the minus strand). VCF-style: chr15-72346244-G-A. GRCh37 (hg19) VCF-style: chr15-72638585-G-A.
Other names: c.1445C>T, p.Pro482Leu (NM_001318825.2); short protein forms P471L, P482L.
Identifiers: ClinVar variation 4081704 (VCV004081704.1).

ClinVar aggregate classification (germline): Likely pathogenic (1 of 4 stars; one submission).

Conditions:
Tay-Sachs disease (TSD). Also called: HEXA DEFICIENCY; GM2 gangliosidosis, type 1; Hexosaminidase alpha-subunit deficiency (variant B); Sphingolipidosis, Tay-Sachs; HEXA Disorders; Hexosaminidase A Deficiency. Identifiers: Orphanet 845, MedGen C0039373, MONDO:0010100, OMIM 272800.

Submission:

Myriad Genetics, Inc.
Classification: Likely pathogenic for Tay-Sachs disease. Last evaluated: 2025-02-24. Review status: criteria provided, single submitter. Criteria: Myriad Autosomal Dominant, Autosomal Recessive and X-Linked Classification Criteria (2023). Collection method: clinical testing. Allele origin: unknown.
Comment: NM_000520.4(HEXA):c.1412C>T(P471L) is a missense variant classified as likely pathogenic in the context of hexosaminidase A deficiency. P471L has been observed in a case with relevant disease (PMID: 35762438). Relevant functional assessments of this variant are available in the literature (PMID: 18693054). P471L has not been observed in referenced population frequency databases. In summary, NM_000520.4(HEXA):c.1412C>T(P471L) is a missense variant that has functional support for pathogenicity and has been observed more frequently in cases with the relevant disease than in healthy populations. Please note: this variant was assessed in the context of healthy population screening.

Literature cited by the submitters: PubMed 18693054; PubMed 35762438.